The following is an entry in ClinVar:

NM_006267.5(RANBP2):c.1340T>C (p.Leu447Ser)

Gene: RANBP2 (RAN binding protein 2; plus strand). Cytogenetic location: 2q13.
Variant type: single nucleotide variant.
Coding change: c.1340T>C on transcript NM_006267.5 (MANE Select); coding-DNA position 1340, T replaced by C.
Protein change: p.Leu447Ser; replaces leucine 447 with serine.
Molecular consequence: missense variant.
Genome position (GRCh38, 1-based): chr2:108,751,330, T>C. VCF-style: chr2-108751330-T-C. GRCh37 (hg19) VCF-style: chr2-109367786-T-C.
Other names: short protein forms L447S.
Identifiers: ClinVar variation 1004196 (VCV001004196.1), dbSNP rs539147212, ClinGen allele CA1822304.

ClinVar aggregate classification (germline): Uncertain significance (1 of 4 stars; one submission).

Conditions:
Familial acute necrotizing encephalopathy (IIAE3). Also called: ENCEPHALOPATHY, ACUTE, INFECTION-INDUCED, SUSCEPTIBILITY TO, 3; Susceptibility to Acute Necrotizing Encephalopathy 1. Identifiers: Orphanet 88619, MedGen C2675556, MONDO:0011953, OMIM 608033.

Allele frequency attached by ClinVar (database versions not stated): gnomAD exomes 0.00003; ExAC 0.00005; gnomAD 0.00006 and 0.00009; TOPMed 0.00006; 1000 Genomes Project 0.00040; 1000 Genomes Project 30x 0.00047.
gnomAD v4.1: 19 of 1,611,986 alleles (0.0012%); highest among the groups gnomAD compares: African/African-American, 0.021%; no homozygotes.

Submission:

Labcorp Genetics (formerly Invitae), Labcorp
Classification: Uncertain significance for Familial acute necrotizing encephalopathy. Last evaluated: 2020-05-31. Review status: criteria provided, single submitter. Criteria: Invitae Variant Classification Sherloc (09022015). Collection method: clinical testing. Allele origin: germline.
Comment: This sequence change replaces leucine with serine at codon 447 of the RANBP2 protein (p.Leu447Ser). The leucine residue is highly conserved and there is a large physicochemical difference between leucine and serine. The frequency data for this variant in the population databases is considered unreliable, as metrics indicate poor data quality at this position in the ExAC database. This variant has not been reported in the literature in individuals with RANBP2-related conditions. Algorithms developed to predict the effect of missense changes on protein structure and function are either unavailable or do not agree on the potential impact of this missense change (SIFT: Deleterious; PolyPhen-2: Benign; Align-GVGD: Class C5). In summary, the available evidence is currently insufficient to determine the role of this variant in disease. Therefore, it has been classified as a Variant of Uncertain Significance. 5